The following is an entry in ClinVar:

NM_000465.4(BARD1):c.1372G>A (p.Asp458Asn)

Gene: BARD1 (BRCA1 associated RING domain 1; minus strand). Cytogenetic location: 2q35.
Variant type: single nucleotide variant.
Coding change: c.1372G>A on transcript NM_000465.4 (MANE Select); coding-DNA position 1372, G replaced by A.
Protein change: p.Asp458Asn; replaces aspartic acid 458 with asparagine.
Molecular consequence: missense variant. On other transcripts: non-coding transcript variant (3), intron variant (3).
Genome position (GRCh38, 1-based): chr2:214,769,255, C>T on the plus strand (G>A on the coding strand, the complement: BARD1 is on the minus strand). VCF-style: chr2-214769255-C-T. GRCh37 (hg19) VCF-style: chr2-215633979-C-T.
Other names: c.1315G>A, p.Asp439Asn (NM_001282543.2); c.159-16700G>A (NM_001282548.2); c.216-16700G>A (NM_001282545.2); c.364+23042G>A (NM_001282549.2); short protein forms D458N, D439N.
Identifiers: ClinVar variation 5032790 (VCV005032790.1).

ClinVar aggregate classification (germline): Uncertain significance (1 of 4 stars; one submission).

Conditions:
Hereditary cancer-predisposing syndrome. Also called: Neoplastic Syndromes, Hereditary; Tumor predisposition; Hereditary neoplastic syndrome; Hereditary Cancer Syndrome. Identifiers: Orphanet 140162, MedGen C0027672, MeSH D009386, MONDO:0015356.

Submission:

Ambry Genetics
Classification: Uncertain significance for Hereditary cancer-predisposing syndrome. Last evaluated: 2026-07-06. Review status: criteria provided, single submitter. Criteria: Ambry Variant Classification Scheme 2023. Collection method: clinical testing. Allele origin: germline.
Comment: The p.D458N variant (also known as c.1372G>A), located in coding exon 5 of the BARD1 gene, results from a G to A substitution at nucleotide position 1372. The aspartic acid at codon 458 is replaced by asparagine, an amino acid with highly similar properties. This amino acid position is conserved. In addition, this alteration is predicted to be tolerated by in silico analysis. Based on the available evidence, the clinical significance of this variant remains unclear.